The following is an entry in ClinVar:

ClinVar aggregate classification (germline): Benign (1 of 4 stars; one submission).

Allele frequency attached by ClinVar (database versions not stated): 1000 Genomes Project 0.20288; 1000 Genomes Project 30x 0.21049; TOPMed 0.31001; gnomAD 0.31935; ESP Exome Variant Server 0.32677; ExAC 0.35300; gnomAD exomes 0.37279.
gnomAD v4.1: 563,568 of 1,537,278 alleles (37%); highest among the groups gnomAD compares: Non-Finnish European, 40%; 109,145 homozygotes.

Submission:

Unidad de Genómica Garrahan, Hospital de Pediatría Garrahan
Classification: Benign. Last evaluated: 2023-11-12. Review status: criteria provided, single submitter. Criteria: ACMG Guidelines, 2015. Collection method: clinical testing. Allele origin: germline. Affected: no. Observed: 54 variant alleles.
Comment: This variant is classified as Benign based on local population frequency. This variant was detected in 56% of patients studied by a panel of primary immunodeficiencies. Number of patients: 54. Only high quality variants are reported.

NM_033004.4(NLRP1):c.3784-44C>T

Gene: NLRP1 (NLR family pyrin domain containing 1; minus strand). Cytogenetic location: 17p13.2.
Variant type: single nucleotide variant.
Coding change: c.3784-44C>T on transcript NM_033004.4 (MANE Select); 44 bases into the intron before coding-DNA position 3784, C replaced by T.
Molecular consequence: intron variant.
Genome position (GRCh38, 1-based): chr17:5,521,056, G>A on the plus strand (C>T on the coding strand, the complement: NLRP1 is on the minus strand). VCF-style: chr17-5521056-G-A. GRCh37 (hg19) VCF-style: chr17-5424376-G-A.
Other names: c.3796-44C>T (NM_001033053.3); c.3693+468C>T (NM_033007.4); c.3694-44C>T (NM_033006.4); c.3783+468C>T (NM_014922.5).
Identifiers: ClinVar variation 2628150 (VCV002628150.2), dbSNP rs12944976, ClinGen allele CA8326738.